The following is an entry in ClinVar:

ClinVar aggregate classification (germline): Uncertain significance (1 of 4 stars; one submission).

Conditions:
Joubert syndrome 15 (JBTS15). Identifiers: Orphanet 475, MedGen C3280897, MONDO:0013763, OMIM 614464.

Submission:

Labcorp Genetics (formerly Invitae), Labcorp
Classification: Uncertain significance for Joubert syndrome 15. Last evaluated: 2022-05-04. Review status: criteria provided, single submitter. Criteria: Invitae Variant Classification Sherloc (09022015). Collection method: clinical testing. Allele origin: germline.
Comment: In summary, the available evidence is currently insufficient to determine the role of this variant in disease. Therefore, it has been classified as a Variant of Uncertain Significance. Algorithms developed to predict the effect of missense changes on protein structure and function (SIFT, PolyPhen-2, Align-GVGD) all suggest that this variant is likely to be disruptive. This variant has not been reported in the literature in individuals affected with CEP41-related conditions. This variant is not present in population databases (gnomAD no frequency). This sequence change replaces lysine, which is basic and polar, with asparagine, which is neutral and polar, at codon 54 of the CEP41 protein (p.Lys54Asn).

NM_018718.3(CEP41):c.162A>C (p.Lys54Asn)

Gene: CEP41 (centrosomal protein 41; minus strand). Cytogenetic location: 7q32.2.
Variant type: single nucleotide variant.
Coding change: c.162A>C on transcript NM_018718.3 (MANE Select); coding-DNA position 162, A replaced by C.
Protein change: p.Lys54Asn; replaces lysine 54 with asparagine.
Molecular consequence: missense variant. On other transcripts: non-coding transcript variant (1).
Genome position (GRCh38, 1-based): chr7:130,412,224, T>G on the plus strand (A>C on the coding strand, the complement: CEP41 is on the minus strand). VCF-style: chr7-130412224-T-G. GRCh37 (hg19) VCF-style: chr7-130052065-T-G.
Other names: c.162A>C, p.Lys54Asn (NM_001257158.2); c.114A>C, p.Lys38Asn (NM_001257159.2); short protein forms K54N, K38N.
Identifiers: ClinVar variation 2133875 (VCV002133875.3), dbSNP rs1164943584, ClinGen allele CA369290765.